The following is an entry in ClinVar:

ClinVar aggregate classification (germline): Conflicting classifications of pathogenicity. Review status: criteria provided, conflicting classifications (1 of 4 stars). 2 submissions from 2 submitters: Uncertain significance (1); Likely benign (1). Last evaluated 2024-02-09.

Conditions:
Cardiovascular phenotype. Identifiers: MedGen CN230736.

Allele frequency attached by ClinVar (database versions not stated): gnomAD exomes 0.00004; ExAC 0.00005; gnomAD 0.00008; TOPMed 0.00009.
gnomAD v4.1: 76 of 1,613,956 alleles (0.0047%); highest among the groups gnomAD compares: East Asian, 0.011%; no homozygotes.

Submissions (2):

Ambry Genetics
Classification: Likely benign for Cardiovascular phenotype. Last evaluated: 2024-02-09. Review status: criteria provided, single submitter. Criteria: Ambry Variant Classification Scheme 2023. Collection method: clinical testing. Allele origin: germline.

Labcorp Genetics (formerly Invitae), Labcorp
Classification: Uncertain significance. Last evaluated: 2021-10-20. Review status: criteria provided, single submitter. Criteria: Invitae Variant Classification Sherloc (09022015). Collection method: clinical testing. Allele origin: germline.
Comment: This sequence change replaces valine with methionine at codon 370 of the LPL protein (p.Val370Met). The valine residue is moderately conserved and there is a small physicochemical difference between valine and methionine. This variant is present in population databases (rs298, ExAC 0.01%). This variant has not been reported in the literature in individuals affected with LPL-related conditions. Algorithms developed to predict the effect of missense changes on protein structure and function (SIFT, PolyPhen-2, Align-GVGD) all suggest that this variant is likely to be tolerated. In summary, the available evidence is currently insufficient to determine the role of this variant in disease. Therefore, it has been classified as a Variant of Uncertain Significance.

Literature cited by the submitters: PubMed 22129523 (cited by Ambry Genetics); PubMed 26342331 (cited by Ambry Genetics); PubMed 36413997 (cited by Ambry Genetics).

NM_000237.3(LPL):c.1108G>A (p.Val370Met)

Gene: LPL (lipoprotein lipase; plus strand). Cytogenetic location: 8p21.3.
Variant type: single nucleotide variant.
Coding change: c.1108G>A on transcript NM_000237.3 (MANE Select); coding-DNA position 1108, G replaced by A.
Protein change: p.Val370Met; replaces valine 370 with methionine.
Molecular consequence: missense variant.
Genome position (GRCh38, 1-based): chr8:19,959,349, G>A. VCF-style: chr8-19959349-G-A. GRCh37 (hg19) VCF-style: chr8-19816860-G-A.
Other names: c.1108G>A (NM_000237.2); short protein forms V370M.
Identifiers: ClinVar variation 2084792 (VCV002084792.3), dbSNP rs298, ClinGen allele CA4655610.